The following is an entry in ClinVar:

NM_000219.6(KCNE1):c.133C>G (p.Leu45Val)

Gene: KCNE1 (potassium voltage-gated channel subfamily E regulatory subunit 1; minus strand). Cytogenetic location: 21q22.12.
Variant type: single nucleotide variant.
Coding change: c.133C>G on transcript NM_000219.6 (MANE Select); coding-DNA position 133, C replaced by G.
Protein change: p.Leu45Val; replaces leucine 45 with valine.
Molecular consequence: missense variant.
Genome position (GRCh38, 1-based): chr21:34,449,502, G>C on the plus strand (C>G on the coding strand, the complement: KCNE1 is on the minus strand). VCF-style: chr21-34449502-G-C. GRCh37 (hg19) VCF-style: chr21-35821800-G-C.
Other names: c.133C>G, p.Leu45Val (NM_001127668.4, NM_001127669.4, NM_001127670.4 and 4 more transcripts); short protein forms L45V.
Identifiers: ClinVar variation 3374134 (VCV003374134.2).

Conditions:
Long QT syndrome 5 (LQT5). Identifiers: Orphanet 101016, Orphanet 768, MedGen C1867904, MONDO:0013372, OMIM 613695.

Submission:

Roden Lab, Vanderbilt University Medical Center
No classification provided (evidence only). Condition: Long QT syndrome 5. Review status: no classification provided. Collection method: in vitro. Allele origin: not applicable. Functional consequence: Effect on ion channel function.
ClinVar note: "not provided" was previously submitted as the classification for the variant. However, the classification appeared to be based only on an observation of functional data so it was converted to no classification on 2025-07-30.